The following is an entry in ClinVar:

ClinVar aggregate classification (germline): Conflicting classifications of pathogenicity. Review status: criteria provided, conflicting classifications (1 of 4 stars). 7 submissions from 7 submitters: Likely pathogenic (1); Uncertain significance (6). Last evaluated 2025-04-09.

Conditions:
Cardiovascular phenotype. Identifiers: MedGen CN230736.
Desmin-related myofibrillar myopathy (MFM1). Also called: Desminopathy; Desmin related myopathy (former name); Desmin storage myopathy (former name); Myofibrillar myopathy 1; MYOFIBRILLAR MYOPATHY WITH ARRHYTHMOGENIC RIGHT VENTRICULAR CARDIOMYOPATHY; DESMIN-RELATED MYOPATHY WITH ARRHYTHMOGENIC RIGHT VENTRICULAR CARDIOMYOPATHY. Identifiers: Orphanet 363543, Orphanet 98909, MedGen C1832370, MONDO:0011076, OMIM 601419.

Allele frequency attached by ClinVar (database versions not stated): gnomAD exomes 0.00003 and 0.00002; gnomAD 0.00005; ExAC 0.00008; TOPMed 0.00005.
gnomAD v4.1: 39 of 1,605,818 alleles (0.0024%); highest among the groups gnomAD compares: Non-Finnish European, 0.00043%; no homozygotes.

Submissions (7):

Molecular Diagnostic Laboratory for Inherited Cardiovascular Disease, Montreal Heart Institute
Classification: Uncertain significance for Cardiovascular phenotype. Last evaluated: 2025-04-09. Review status: criteria provided, single submitter. Criteria: ACMG Guidelines, 2015. Collection method: clinical testing. Allele origin: germline. Affected: yes.
Comment: PVS1_strong

GeneDx
Classification: Uncertain significance. Last evaluated: 2025-02-20. Review status: criteria provided, single submitter. Criteria: GeneDx Variant Classification Process June 2021. Collection method: clinical testing. Allele origin: germline. Affected: yes.
Comment: Identified in a cohort of patients with dilated cardiomyopathy, however further information about the individual(s) with this variant was not provided (PMID: 36472615); Reported in a patient with idiopathic ventricular fibrillation (PMID: 37227348); Canonical splice site variant with an unclear effect on protein function; This variant is associated with the following publications: (PMID: 26582918, 37227348, 36472615)

Ambry Genetics
Classification: Uncertain significance for Cardiovascular phenotype. Last evaluated: 2024-11-27. Review status: criteria provided, single submitter. Criteria: Ambry Variant Classification Scheme 2023. Collection method: clinical testing. Allele origin: germline.
Comment: The c.1371+1G>A intronic variant results from a G to A substitution one nucleotide after coding exon 8 of the DES gene. This alteration disrupts the highly conserved canonical splice donor site and is expected to cause aberrant splicing. Internal RNA studies indicate that this alteration leads to the utilization of a cryptic donor site seven nucleotides downstream of the canonical splice donor site, causing a translational frameshift with a predicted alternate stop codon (p.V459Sfs*5) (Ambry internal data). This variant has been reported in an idiopathic ventricular fibrillation cohort (Pannone L et al. JACC Clin Electrophysiol, 2023 Aug;9:1296-1306). Frameshifts are typically deleterious in nature; however, this frameshift occurs at the 3' terminus of DES, is not expected to trigger nonsense-mediated mRNA decay, and impacts only the last 12 amino acids of the protein. The exact functional impact of these altered amino acids is unknown at this time. Since supporting evidence is limited at this time, the clinical significance of this alteration remains unclear.

ARUP Laboratories, Molecular Genetics and Genomics, ARUP Laboratories
Classification: Uncertain significance. Last evaluated: 2024-11-21. Review status: criteria provided, single submitter. Criteria: ARUP Molecular Germline Variant Investigation Process 2024. Collection method: clinical testing. Allele origin: germline.
Comment: The DES c.1371+1G>A variant (rs748323823, ClinVar Variation ID: 201714) is reported in the literature in an individual affected with idiopathic ventricular fibrillation (Pannone 2023). Additionally, this variant was found in a patient with dilated cardiomyopathy (Mohananey 2023). This variant is found in the Ashkenazi Jewish population with an allele frequency of 0.08% (8/9,674 alleles) in the Genome Aggregation Database (v2.1.1). This variant disrupts the canonical splice donor site of intron 8, which is likely to negatively impact gene function. However, since this variant disrupts the last donor splice site of the DES gene, it is uncertain if this variant would result in nonsense mediated decay. Given the limited clinical data and lack of functional data, the significance of this variant is uncertain at this time. References: Mohananey A et al. An intervention strategy to improve genetic testing for dilated cardiomyopathy in a heart failure clinic. Genet Med. 2023 Mar;25(3):100341. PMID: 36472615. Pannone L et al. Genetics in Probands With Idiopathic Ventricular Fibrillation: A Multicenter Study. JACC Clin Electrophysiol. 2023 Aug;9(8 Pt 1):1296-1306. PMID: 37227348.

Labcorp Genetics (formerly Invitae), Labcorp
Classification: Uncertain significance for Desmin-related myofibrillar myopathy. Last evaluated: 2022-10-03. Review status: criteria provided, single submitter. Criteria: Invitae Variant Classification Sherloc (09022015). Collection method: clinical testing. Allele origin: germline.
Comment: This sequence change affects a donor splice site in intron 8 of the DES gene. While this variant is not anticipated to result in nonsense mediated decay, it likely alters RNA splicing and results in a disrupted protein product. This variant is present in population databases (rs748323823, gnomAD 0.07%). Disruption of this splice site has been observed in individual(s) with clinical features of autosomal dominant dilated cardiomyopathy (Invitae). ClinVar contains an entry for this variant (Variation ID: 201714). Variants that disrupt the consensus splice site are a relatively common cause of aberrant splicing (PMID: 17576681, 9536098). Algorithms developed to predict the effect of sequence changes on RNA splicing suggest that this variant may disrupt the consensus splice site. In summary, the available evidence is currently insufficient to determine the role of this variant in disease. Therefore, it has been classified as a Variant of Uncertain Significance.

AiLife Diagnostics
Classification: Likely pathogenic. Last evaluated: 2022-03-09. Review status: criteria provided, single submitter. Criteria: ACMG Guidelines, 2015. Collection method: clinical testing. Allele origin: germline. Affected: yes. Observed: 2 variant alleles.

Stanford Center for Inherited Cardiovascular Disease, Stanford University
Classification: Uncertain significance. Last evaluated: 2013-01-18. Review status: criteria provided, single submitter. Criteria: ACMG Guidelines, 2015. Collection method: provider interpretation. Allele origin: germline.

Literature cited by the submitters: PubMed 37227348 (cited by Ambry Genetics); PubMed 17576681 (cited by Labcorp Genetics (formerly Invitae), Labcorp); PubMed 9536098 (cited by Labcorp Genetics (formerly Invitae), Labcorp).

NM_001927.4(DES):c.1371+1G>A

Gene: DES (desmin; plus strand). Cytogenetic location: 2q35.
Variant type: single nucleotide variant.
Coding change: c.1371+1G>A on transcript NM_001927.4 (MANE Select); the canonical splice donor site of the intron after coding-DNA position 1371, G replaced by A.
Molecular consequence: splice donor variant.
Genome position (GRCh38, 1-based): chr2:219,425,746, G>A. VCF-style: chr2-219425746-G-A. GRCh37 (hg19) VCF-style: chr2-220290468-G-A.
Other names: c.1371+1G>A (NM_001382712.1); c.1350+1G>A (NM_001382711.1); c.1302+1G>A (NM_001382710.1); c.939+1G>A (NM_001382709.1); c.1368+1G>A (NM_001382708.1); c.1101+1G>A (NM_001382713.1).
Identifiers: ClinVar variation 201714 (VCV000201714.22), dbSNP rs748323823, ClinGen allele CA308296.